The following is an entry in ClinVar:

ClinVar aggregate classification (germline): Pathogenic (1 of 4 stars; one submission).

Conditions:
Deficiency of hyaluronoglucosaminidase (MPS9). Also called: MPS IX; Mucopolysaccharidosis type 9; HYALURONIDASE DEFICIENCY. Identifiers: Orphanet 67041, MedGen C1291490, MONDO:0011093, OMIM 601492.

Submission:

Labcorp Genetics (formerly Invitae), Labcorp
Classification: Pathogenic for Deficiency of hyaluronoglucosaminidase. Last evaluated: 2023-03-18. Review status: criteria provided, single submitter. Criteria: Invitae Variant Classification Sherloc (09022015). Collection method: clinical testing. Allele origin: germline.
Comment: For these reasons, this variant has been classified as Pathogenic. ClinVar contains an entry for this variant (Variation ID: 1452834). This variant has not been reported in the literature in individuals affected with HYAL1-related conditions. This variant is not present in population databases (gnomAD no frequency). This sequence change creates a premature translational stop signal (p.Gln313*) in the HYAL1 gene. It is expected to result in an absent or disrupted protein product. Loss-of-function variants in HYAL1 are known to be pathogenic (PMID: 10339581, 21559944).

Literature cited by the submitters: PubMed 10339581; PubMed 21559944.

NM_033159.4(HYAL1):c.937C>T (p.Gln313Ter)

Gene: HYAL1 (hyaluronidase 1; minus strand). Cytogenetic location: 3p21.31.
Variant type: single nucleotide variant.
Coding change: c.937C>T on transcript NM_033159.4 (MANE Select); coding-DNA position 937, C replaced by T.
Protein change: p.Gln313Ter; replaces glutamine 313 with a stop codon.
Molecular consequence: nonsense. On other transcripts: non-coding transcript variant (1), intron variant (1).
Genome position (GRCh38, 1-based): chr3:50,301,041, G>A on the plus strand (C>T on the coding strand, the complement: HYAL1 is on the minus strand). VCF-style: chr3-50301041-G-A. GRCh37 (hg19) VCF-style: chr3-50338472-G-A.
Other names: c.937C>T, p.Gln313Ter (NM_153281.2); c.391C>T, p.Gln131Ter (NM_153283.3); c.160C>T, p.Gln54Ter (NM_153285.3); c.901-241C>T (NM_153282.3); short protein forms Q313*, Q54*, Q131*.
Identifiers: ClinVar variation 1452834 (VCV001452834.6), dbSNP rs2109304251, ClinGen allele CA352890406.